The following is an entry in ClinVar:

NM_000069.3(CACNA1S):c.1018G>T (p.Glu340Ter)

Gene: CACNA1S (calcium voltage-gated channel subunit alpha1 S; minus strand). Cytogenetic location: 1q32.1.
Variant type: single nucleotide variant.
Coding change: c.1018G>T on transcript NM_000069.3 (MANE Select); coding-DNA position 1018, G replaced by T.
Protein change: p.Glu340Ter; replaces glutamic acid 340 with a stop codon.
Molecular consequence: nonsense.
Genome position (GRCh38, 1-based): chr1:201,085,568, C>A on the plus strand (G>T on the coding strand, the complement: CACNA1S is on the minus strand). VCF-style: chr1-201085568-C-A. GRCh37 (hg19) VCF-style: chr1-201054696-C-A.
Other names: short protein forms E340*.
Identifiers: ClinVar variation 3069708 (VCV003069708.1), dbSNP rs780931231, ClinGen allele CA344130220.

ClinVar aggregate classification (germline): Uncertain significance (1 of 4 stars; one submission).

Conditions:
Malignant hyperthermia, susceptibility to, 5 (MHS5). Also called: CACNA1S-Related Malignant Hyperthermia Susceptibility. Identifiers: Orphanet 423, MedGen C1866077, MONDO:0011163, OMIM 601887.

Submission:

All of Us Research Program, National Institutes of Health
Classification: Uncertain significance for Malignant hyperthermia, susceptibility to, 5. Last evaluated: 2023-02-24. Review status: criteria provided, single submitter. Criteria: ACMG Guidelines, 2015. Collection method: clinical testing. Allele origin: germline. Inheritance: Autosomal dominant inheritance. Observed: 1 variant allele, 1 heterozygote.
Comment: This pathogenicity assessment is for autosomal dominant malignant hyperthermia susceptibility phenotype. This nonsense variant is predicted to result in an absent or nonfunctional CACNA1S protein product. Loss of CACNA1S gene function due to truncation and splice variants is thought to cause congenital myopathy and hypokalemic periodic paralysis (PMID: 28012042, 34608571, 34777470). However, the role of such loss-of-function variants in autosomal dominant malignant hyperthermia susceptibility is not clearly understood. Therefore, this variant is classified as a Variant of Uncertain Significance.

This study involves interpretation of variants in research participants for the purpose of population health screening. Participant phenotype was not available at the time of variant classification. Additional details can be found in publication PMID: 35346344, PMCID: PMC8962531

Literature cited by the submitters: PubMed 28012042; PubMed 34608571; PubMed 34777470.